The following is an entry in ClinVar:

ClinVar aggregate classification (germline): Uncertain significance (1 of 4 stars; one submission).

Allele frequency attached by ClinVar (database versions not stated): gnomAD exomes below 0.00001; TOPMed below 0.00001; gnomAD 0.00001.
gnomAD v4.1: 6 of 1,613,540 alleles (0.00037%); highest among the groups gnomAD compares: Non-Finnish European, 0.00051%; no homozygotes.

Submission:

Labcorp Genetics (formerly Invitae), Labcorp
Classification: Uncertain significance. Last evaluated: 2022-03-31. Review status: criteria provided, single submitter. Criteria: Invitae Variant Classification Sherloc (09022015). Collection method: clinical testing. Allele origin: germline.
Comment: This sequence change replaces arginine, which is basic and polar, with glutamine, which is neutral and polar, at codon 3799 of the PCLO protein (p.Arg3799Gln). This variant is not present in population databases (gnomAD no frequency). This variant has not been reported in the literature in individuals affected with PCLO-related conditions. Algorithms developed to predict the effect of missense changes on protein structure and function are either unavailable or do not agree on the potential impact of this missense change (SIFT: "Deleterious"; PolyPhen-2: "Not Available"; Align-GVGD: "Class C0"). In summary, the available evidence is currently insufficient to determine the role of this variant in disease. Therefore, it has been classified as a Variant of Uncertain Significance.

NM_033026.6(PCLO):c.11396G>A (p.Arg3799Gln)

Gene: PCLO (piccolo presynaptic cytomatrix protein; minus strand). Cytogenetic location: 7q21.11.
Variant type: single nucleotide variant.
Coding change: c.11396G>A on transcript NM_033026.6 (MANE Select); coding-DNA position 11396, G replaced by A.
Protein change: p.Arg3799Gln; replaces arginine 3799 with glutamine.
Molecular consequence: missense variant.
Genome position (GRCh38, 1-based): chr7:82,916,590, C>T on the plus strand (G>A on the coding strand, the complement: PCLO is on the minus strand). VCF-style: chr7-82916590-C-T. GRCh37 (hg19) VCF-style: chr7-82545906-C-T.
Other names: c.11396G>A, p.Arg3799Gln (NM_014510.3); short protein forms R3799Q.
Identifiers: ClinVar variation 2119876 (VCV002119876.3), dbSNP rs919590129, ClinGen allele CA161121992.